The following is an entry in ClinVar:

ClinVar aggregate classification (germline): Pathogenic. Review status: criteria provided, single submitter (1 of 4 stars). 2 submissions from 2 submitters: Pathogenic (1). 1 of the submissions does not count toward it. Last evaluated 2019-04-24.

Conditions:
Wiskott-Aldrich syndrome (WAS). Also called: ALDRICH SYNDROME; IMMUNODEFICIENCY 2; Wiskott-aldrich syndrome, somatic; WISKOTT-ALDRICH SYNDROME 1. Identifiers: Orphanet 906, MedGen C0043194, MONDO:0010518, OMIM 301000.

Submissions (2):

GeneDx
Classification: Pathogenic. Last evaluated: 2019-04-24. Review status: criteria provided, single submitter. Criteria: GeneDx Variant Classification Process June 2021. Collection method: clinical testing. Allele origin: germline. Affected: yes.
Comment: Frameshift variant predicted to result in protein truncation or nonsense mediated decay in a gene for which loss-of-function is a known mechanism of disease; Not observed in large population cohorts (Lek et al., 2016); This variant is associated with the following publications: (PMID: 17250667)

OMIM
Classification: Pathogenic for WISKOTT-ALDRICH SYNDROME. Last evaluated: 2007-02-01. Review status: no assertion criteria provided. Collection method: literature only. Allele origin: germline. Not counted in ClinVar's aggregate classification.

Literature cited by the submitters: PubMed 17250667 (cited by OMIM).

NM_000377.3(WAS):c.724del (p.Ser242fs)

Gene: WAS (WASP actin nucleation promoting factor; plus strand). Cytogenetic location: Xp11.23.
Variant type: Deletion.
Coding change: c.724del on transcript NM_000377.3 (MANE Select); coding-DNA position 724, one base deleted (A; older notation c.724delA).
Protein change: p.Ser242fs; shifts the reading frame from serine 242.
Molecular consequence: frameshift variant.
Genome position (GRCh38, 1-based): chrX:48,686,945, A deleted. VCF-style (leftmost placement, unchanged base first): chrX-48686944-CA-C. GRCh37 (hg19) VCF-style: chrX-48545333-CA-C.
Other names: short protein forms S242fs.
Identifiers: ClinVar variation 1200930 (VCV001200930.4), dbSNP rs2147264989, ClinGen allele CA2499226743.
Genomic context (GRCh38, chrX:48,686,944, plus strand): 5'-CCCAGCTGATAAGAAACGCTCAGGGAAGAAGAAGATCAGCAAAGCTGATATTGGTGCACC[CA>C]GTGGATTCAAGTGAGAGCCACTCCCCAGTGGACCCACAGATTCCTGGGGGCAGAGGGGCA-3'